The following is an entry in ClinVar:

ClinVar aggregate classification (germline): Uncertain significance. Review status: criteria provided, multiple submitters, no conflicts (2 of 4 stars). 3 submissions from 3 submitters: Uncertain significance (3). Last evaluated 2022-09-28.

Conditions:
Autosomal recessive distal spinal muscular atrophy 1. Also called: HMN VI; NEURONOPATHY, SEVERE INFANTILE AXONAL, WITH RESPIRATORY FAILURE; SEVERE INFANTILE AXONAL NEUROPATHY WITH RESPIRATORY FAILURE; SPINAL MUSCULAR ATROPHY, DIAPHRAGMATIC; Spinal muscular atrophy with respiratory distress 1; NEURONOPATHY, DISTAL HEREDITARY MOTOR, HARDING TYPE VI. Identifiers: Orphanet 98920, MedGen C1858517, MONDO:0011436, OMIM 604320.
Inborn genetic diseases. Identifiers: MedGen C0950123, MeSH D030342.
Charcot-Marie-Tooth disease axonal type 2S. Also called: CHARCOT-MARIE-TOOTH NEUROPATHY, TYPE 2S; CHARCOT-MARIE-TOOTH DISEASE, AXONAL, AUTOSOMAL RECESSIVE, TYPE 2S. Identifiers: Orphanet 443073, MedGen C4015349, MONDO:0014511, OMIM 616155.

Allele frequency attached by ClinVar (database versions not stated): ExAC 0.00001; gnomAD 0.00001; gnomAD exomes 0.00001 and 0.00002; TOPMed 0.00003.
gnomAD v4.1: 24 of 1,611,750 alleles (0.0015%); highest among the groups gnomAD compares: African/African-American, 0.004%; no homozygotes.

Submissions (3):

Ambry Genetics
Classification: Uncertain significance for Inborn genetic diseases. Last evaluated: 2022-09-28. Review status: criteria provided, single submitter. Criteria: Ambry Variant Classification Scheme 2023. Collection method: clinical testing. Allele origin: germline.

Labcorp Genetics (formerly Invitae), Labcorp
Classification: Uncertain significance for Autosomal recessive distal spinal muscular atrophy 1; Charcot-Marie-Tooth disease axonal type 2S. Last evaluated: 2022-07-19. Review status: criteria provided, single submitter. Criteria: Invitae Variant Classification Sherloc (09022015). Collection method: clinical testing. Allele origin: germline.
Comment: This sequence change replaces isoleucine, which is neutral and non-polar, with methionine, which is neutral and non-polar, at codon 929 of the IGHMBP2 protein (p.Ile929Met). This variant is present in population databases (rs761854167, gnomAD 0.007%). This variant has not been reported in the literature in individuals affected with IGHMBP2-related conditions. ClinVar contains an entry for this variant (Variation ID: 305862). Algorithms developed to predict the effect of missense changes on protein structure and function are either unavailable or do not agree on the potential impact of this missense change (SIFT: "Deleterious"; PolyPhen-2: "Possibly Damaging"; Align-GVGD: "Class C0"). In summary, the available evidence is currently insufficient to determine the role of this variant in disease. Therefore, it has been classified as a Variant of Uncertain Significance.

Illumina Laboratory Services, Illumina
Classification: Uncertain significance for Autosomal recessive distal spinal muscular atrophy 1. Last evaluated: 2018-01-12. Review status: criteria provided, single submitter. Criteria: ICSL Variant Classification Criteria 13 December 2019. Collection method: clinical testing. Allele origin: germline.

NM_002180.3(IGHMBP2):c.2787C>G (p.Ile929Met)

Gene: IGHMBP2 (immunoglobulin mu DNA binding protein 2; plus strand). Cytogenetic location: 11q13.3.
Variant type: single nucleotide variant.
Coding change: c.2787C>G on transcript NM_002180.3 (MANE Select); coding-DNA position 2787, C replaced by G.
Protein change: p.Ile929Met; replaces isoleucine 929 with methionine.
Molecular consequence: missense variant.
Genome position (GRCh38, 1-based): chr11:68,939,536, C>G. VCF-style: chr11-68939536-C-G. GRCh37 (hg19) VCF-style: chr11-68707004-C-G.
Other names: short protein forms I929M.
Identifiers: ClinVar variation 305862 (VCV000305862.7), dbSNP rs761854167, ClinGen allele CA6154022.